The following is an entry in ClinVar:

NM_018896.5(CACNA1G):c.4441G>A (p.Val1481Ile)

Gene: CACNA1G (calcium voltage-gated channel subunit alpha1 G; plus strand). Cytogenetic location: 17q21.33.
Variant type: single nucleotide variant.
Coding change: c.4441G>A on transcript NM_018896.5 (MANE Select); coding-DNA position 4441, G replaced by A.
Protein change: p.Val1481Ile; replaces valine 1481 with isoleucine.
Molecular consequence: missense variant. On other transcripts: non-coding transcript variant (5).
Genome position (GRCh38, 1-based): chr17:50,606,918, G>A. VCF-style: chr17-50606918-G-A. GRCh37 (hg19) VCF-style: chr17-48684279-G-A.
Other names: c.4441G>A, p.Val1481Ile (NM_198384.3, NM_198385.3, NM_198386.3 and 16 more transcripts); c.4372G>A, p.Val1458Ile (NM_198387.3, NM_198388.3, NM_198396.3 and 5 more transcripts); short protein forms V1458I, V1481I.
Identifiers: ClinVar variation 2499806 (VCV002499806.2), dbSNP rs772369809, ClinGen allele CA8653059.
Genomic context (GRCh38, chr17:50,606,918, plus strand): 5'-CATCCTAGACTTCAAATGTCTCCTTCTCCTCCTCCCCATCAGGCCCTGATGTCCCTGTTC[G>A]TTTTGGCCTCCAAGGATGGTTGGGTGGACATCATGTACGATGGGCTGGATGCTGTGGGCG-3'
Protein context (NP_061496.2, residues 1471-1491): NLGQALMSLF[Val1481Ile]LASKDGWVDI

ClinVar aggregate classification (germline): Uncertain significance (1 of 4 stars; one submission).

Allele frequency attached by ClinVar (database versions not stated): gnomAD exomes 0.00001; ExAC 0.00001; gnomAD 0.00001; TOPMed 0.00001.
gnomAD v4.1: 14 of 1,613,664 alleles (0.00087%); highest among the groups gnomAD compares: Non-Finnish European, 0.0011%; no homozygotes.

Submission:

GeneDx
Classification: Uncertain significance. Last evaluated: 2024-10-24. Review status: criteria provided, single submitter. Criteria: GeneDx Variant Classification Process June 2021. Collection method: clinical testing. Allele origin: germline.
Comment: Not observed at significant frequency in large population cohorts (gnomAD); In silico analysis indicates that this missense variant does not alter protein structure/function; Has not been previously published as pathogenic or benign to our knowledge